The following is an entry in ClinVar:

ClinVar aggregate classification (germline): Conflicting classifications of pathogenicity. Review status: criteria provided, conflicting classifications (1 of 4 stars). 6 submissions from 5 submitters: Uncertain significance (3); Benign (1); Likely benign (2). Last evaluated 2026-01-11.

Conditions:
Autoinflammatory syndrome. Identifiers: Orphanet 93665, MedGen C3890737, MONDO:0019751.
Blau syndrome (BLAUS). Also called: GRANULOMATOSIS, FAMILIAL JUVENILE SYSTEMIC; GRANULOMATOSIS, FAMILIAL, BLAU TYPE; GRANULOMATOUS INFLAMMATORY ARTHRITIS, DERMATITIS, AND UVEITIS, FAMILIAL; JABS SYNDROME; ARTHROCUTANEOUVEAL GRANULOMATOSIS. Identifiers: Orphanet 90340, MedGen C5201146, MONDO:0008523, OMIM 186580.
Inflammatory bowel disease 1 (IBD1). Also called: INFLAMMATORY BOWEL DISEASE (CROHN DISEASE) 1; Inflammatory bowel disease 1, Crohn disease. Identifiers: MedGen CN260071, MONDO:0009960, OMIM 266600.
Regional enteritis. Also called: Enteritis, Granulomatous. Identifiers: MedGen C0678202, MeSH D003424.

Allele frequency attached by ClinVar (database versions not stated): gnomAD exomes 0.00014; 1000 Genomes Project 30x 0.00016; ExAC 0.00017; 1000 Genomes Project 0.00020; TOPMed 0.00030; ESP Exome Variant Server 0.00031.

Submissions (6):

Labcorp Genetics (formerly Invitae), Labcorp
Classification: Likely benign for Regional enteritis; Blau syndrome. Last evaluated: 2026-01-11. Review status: criteria provided, single submitter. Criteria: Invitae Variant Classification Sherloc (09022015). Collection method: clinical testing. Allele origin: germline.

Blueprint Genetics
Classification: Likely benign. Last evaluated: 2024-02-08. Review status: criteria provided, single submitter. Criteria: ACMG Guidelines, 2015. Collection method: clinical testing. Allele origin: germline.

Revvity Omics, Revvity
Classification: Uncertain significance for Blau syndrome. Last evaluated: 2021-06-23. Review status: criteria provided, single submitter. Criteria: ACMG Guidelines, 2015. Collection method: clinical testing. Allele origin: germline.

Genome Diagnostics Laboratory, The Hospital for Sick Children
Classification: Uncertain significance for Autoinflammatory syndrome. Last evaluated: 2019-05-01. Review status: criteria provided, single submitter. Criteria: ACMG Guidelines, 2015. Collection method: clinical testing. Allele origin: germline. Affected: yes.

Illumina Laboratory Services, Illumina
Classification: Benign for Blau syndrome. Last evaluated: 2018-01-13. Review status: criteria provided, single submitter. Criteria: ICSL Variant Classification Criteria 13 December 2019. Collection method: clinical testing. Allele origin: germline.
Comment: This variant was observed in the ICSL laboratory as part of a predisposition screen in an ostensibly healthy population. It had not been previously curated by ICSL or reported in the Human Gene Mutation Database (HGMD: prior to June 1st, 2018), and was therefore a candidate for classification through an automated scoring system. Utilizing variant allele frequency, disease prevalence and penetrance estimates, and inheritance mode, an automated score was calculated to assess if this variant is too frequent to cause the disease. Based on the score and internal cut-off values, a variant classified as benign is not then subjected to further curation. The score for this variant resulted in a classification of benign for this disease.

Illumina Laboratory Services, Illumina
Classification: Uncertain significance for Inflammatory bowel disease 1. Last evaluated: 2018-01-13. Review status: criteria provided, single submitter. Criteria: ICSL Variant Classification Criteria 13 December 2019. Collection method: clinical testing. Allele origin: germline.

NM_001370466.1(NOD2):c.794C>T (p.Ala265Val)

Gene: NOD2 (nucleotide binding oligomerization domain containing 2; plus strand). Cytogenetic location: 16q12.1.
Variant type: single nucleotide variant.
Coding change: c.794C>T on transcript NM_001370466.1 (MANE Select); coding-DNA position 794, C replaced by T.
Protein change: p.Ala265Val; replaces alanine 265 with valine.
Molecular consequence: missense variant. On other transcripts: non-coding transcript variant (1).
Genome position (GRCh38, 1-based): chr16:50,710,786, C>T. VCF-style: chr16-50710786-C-T. GRCh37 (hg19) VCF-style: chr16-50744697-C-T.
Other names: c.875C>T (LRG_177t1); c.794C>T, p.Ala265Val (NM_001293557.2); c.875C>T, p.Ala292Val (NM_022162.3); short protein forms A292V, A265V.
Identifiers: ClinVar variation 319441 (VCV000319441.24), dbSNP rs149338478, ClinGen allele CA8051417.
Genomic context (GRCh38, chr16:50,710,786, plus strand): 5'-GCCCAGCCACCCTGGGCCTGGAGGAGCTCTTCAGCACCCCTGGCCACCTCAATGACGATG[C>T]GGACACTGTGCTGGTGGTGGGTGAGGCGGGCAGTGGCAAGAGCACGCTCCTGCAGCGGCT-3'
Protein context (NP_001357395.1, residues 255-275): FSTPGHLNDD[Ala265Val]DTVLVVGEAG